The following is an entry in ClinVar:

NM_018082.6(POLR3B):c.1615G>C (p.Val539Leu)

Gene: POLR3B (RNA polymerase III subunit B; plus strand). Cytogenetic location: 12q23.3.
Variant type: single nucleotide variant.
Coding change: c.1615G>C on transcript NM_018082.6 (MANE Select); coding-DNA position 1615, G replaced by C.
Protein change: p.Val539Leu; replaces valine 539 with leucine.
Molecular consequence: missense variant.
Genome position (GRCh38, 1-based): chr12:106,432,468, G>C. VCF-style: chr12-106432468-G-C. GRCh37 (hg19) VCF-style: chr12-106826246-G-C.
Other names: c.1441G>C, p.Val481Leu (NM_001160708.2); short protein forms V481L, V539L.
Identifiers: ClinVar variation 3368934 (VCV003368934.1).

ClinVar aggregate classification (germline): Uncertain significance (1 of 4 stars; one submission).

Submission:

GeneDx
Classification: Uncertain significance. Last evaluated: 2024-02-08. Review status: criteria provided, single submitter. Criteria: GeneDx Variant Classification Process June 2021. Collection method: clinical testing. Allele origin: germline. Affected: yes.
Comment: Not observed at significant frequency in large population cohorts (gnomAD); In silico analysis supports that this missense variant has a deleterious effect on protein structure/function; Has not been previously published as pathogenic or benign to our knowledge